The following is an entry in ClinVar:

ClinVar aggregate classification (germline): Benign (1 of 4 stars; one submission).

Allele frequency attached by ClinVar (database versions not stated): TOPMed 0.13557; 1000 Genomes Project 30x 0.14085; gnomAD 0.14282 and 0.14441; 1000 Genomes Project 0.14397.
gnomAD v4.1: 21,873 of 152,102 alleles (14%); highest among the groups gnomAD compares: South Asian, 20%; 1,667 homozygotes.

Submission:

GeneDx
Classification: Benign. Last evaluated: 2018-06-17. Review status: criteria provided, single submitter. Criteria: GeneDx Variant Classification (06012015). Collection method: clinical testing. Allele origin: germline. Affected: yes.
Comment: This variant is considered likely benign or benign based on one or more of the following criteria: it is a conservative change, it occurs at a poorly conserved position in the protein, it is predicted to be benign by multiple in silico algorithms, and/or has population frequency not consistent with disease.

NM_153717.3(EVC):c.1464+177T>A

Gene: EVC (EvC ciliary complex subunit 1; plus strand). Cytogenetic location: 4p16.2.
Variant type: single nucleotide variant.
Coding change: c.1464+177T>A on transcript NM_153717.3 (MANE Select); 177 bases into the intron after coding-DNA position 1464, T replaced by A.
Molecular consequence: intron variant.
Genome position (GRCh38, 1-based): chr4:5,754,110, T>A. VCF-style: chr4-5754110-T-A. GRCh37 (hg19) VCF-style: chr4-5755837-T-A.
Other names: c.1464+177T>A (NM_001306090.2, NM_001306092.2).
Identifiers: ClinVar variation 669954 (VCV000669954.1), dbSNP rs2302074, ClinGen allele CA11677333.